The following is an entry in ClinVar:

NM_021098.3(CACNA1H):c.4124C>T (p.Ser1375Phe)

Gene: CACNA1H (calcium voltage-gated channel subunit alpha1 H; plus strand). Cytogenetic location: 16p13.3.
Variant type: single nucleotide variant.
Coding change: c.4124C>T on transcript NM_021098.3 (MANE Select); coding-DNA position 4124, C replaced by T.
Protein change: p.Ser1375Phe; replaces serine 1375 with phenylalanine.
Molecular consequence: missense variant.
Genome position (GRCh38, 1-based): chr16:1,210,872, C>T. VCF-style: chr16-1210872-C-T. GRCh37 (hg19) VCF-style: chr16-1260872-C-T.
Other names: c.4124C>T, p.Ser1375Phe (NM_001005407.2); short protein forms S1375F.
Identifiers: ClinVar variation 3750763 (VCV003750763.2).
Genomic context (GRCh38, chr16:1,210,872, plus strand): 5'-GCGAGCACGCCTACCTGCAGAGCAGCTGGAACCTGCTGGATGGGCTGCTGGTGCTGGTGT[C>T]CCTGGTGGACATTGTCGTGGCCATGGCCTCGGCTGGTGGCGCCAAGATCCTGGGTGTTCT-3'
Protein context (NP_066921.2, residues 1365-1385): NLLDGLLVLV[Ser1375Phe]LVDIVVAMAS

ClinVar aggregate classification (germline): Uncertain significance (1 of 4 stars; one submission).

Conditions:
Idiopathic generalized epilepsy. Also called: EIG; Generalised epilepsy. Identifiers: MedGen C0270850, MONDO:0005579, OMIM 600669.
Hyperaldosteronism, familial, type IV (HALD4). Also called: FH IV; ALDOSTERONISM, PRIMARY, AND HYPERTENSION. Identifiers: Orphanet 642671, MedGen C4310756, MONDO:0014875, OMIM 617027.

gnomAD v4.1: 1 of 1,605,638 alleles (0.000062%); highest among the groups gnomAD compares: Non-Finnish European, 0.000085%; no homozygotes.

Submission:

Labcorp Genetics (formerly Invitae), Labcorp
Classification: Uncertain significance for Idiopathic generalized epilepsy; Hyperaldosteronism, familial, type IV. Last evaluated: 2024-06-19. Review status: criteria provided, single submitter. Criteria: Invitae Variant Classification Sherloc (09022015). Collection method: clinical testing. Allele origin: germline.
Comment: This sequence change replaces serine, which is neutral and polar, with phenylalanine, which is neutral and non-polar, at codon 1375 of the CACNA1H protein (p.Ser1375Phe). This variant is present in population databases (rs757938290, gnomAD 0.0009%). This variant has not been reported in the literature in individuals affected with CACNA1H-related conditions. Advanced modeling of protein sequence and biophysical properties (such as structural, functional, and spatial information, amino acid conservation, physicochemical variation, residue mobility, and thermodynamic stability) performed at Invitae indicates that this missense variant is expected to disrupt CACNA1H protein function with a positive predictive value of 80%. In summary, the available evidence is currently insufficient to determine the role of this variant in disease. Therefore, it has been classified as a Variant of Uncertain Significance.